The following is an entry in ClinVar:

ClinVar aggregate classification (germline): Uncertain significance (1 of 4 stars; one submission).

gnomAD v4.1: 2 of 1,608,794 alleles (0.00012%); highest among the groups gnomAD compares: Non-Finnish European, 0.000085%; no homozygotes.

Submission:

Labcorp Genetics (formerly Invitae), Labcorp
Classification: Uncertain significance. Last evaluated: 2025-06-02. Review status: criteria provided, single submitter. Criteria: Invitae Variant Classification Sherloc (09022015). Collection method: clinical testing. Allele origin: germline.
Comment: This sequence change replaces alanine, which is neutral and non-polar, with valine, which is neutral and non-polar, at codon 970 of the GUCY2C protein (p.Ala970Val). This variant is present in population databases (no rsID available, gnomAD 0.004%). This variant has not been reported in the literature in individuals affected with GUCY2C-related conditions. ClinVar contains an entry for this variant (Variation ID: 3663772). Invitae Evidence Modeling of protein sequence and biophysical properties (such as structural, functional, and spatial information, amino acid conservation, physicochemical variation, residue mobility, and thermodynamic stability) indicates that this missense variant is not expected to disrupt GUCY2C protein function with a negative predictive value of 80%. In summary, the available evidence is currently insufficient to determine the role of this variant in disease. Therefore, it has been classified as a Variant of Uncertain Significance.

NM_004963.4(GUCY2C):c.2909C>T (p.Ala970Val)

Genes: GUCY2C (guanylate cyclase 2C; minus strand), PLBD1-AS1 (PLBD1 antisense RNA 1; plus strand). Cytogenetic location: 12p12.3.
Variant type: single nucleotide variant.
Coding change: c.2909C>T on transcript NM_004963.4 (MANE Select); coding-DNA position 2909, C replaced by T.
Protein change: p.Ala970Val; replaces alanine 970 with valine.
Molecular consequence: missense variant.
Genome position (GRCh38, 1-based): chr12:14,616,694, G>A on the plus strand (C>T on the coding strand, the complement: GUCY2C is on the minus strand). VCF-style: chr12-14616694-G-A. GRCh37 (hg19) VCF-style: chr12-14769628-G-A.
Other names: short protein forms A970V.
Identifiers: ClinVar variation 3663772 (VCV003663772.2).